The following is an entry in ClinVar:

NM_015443.4(KANSL1):c.3141G>T (p.Gln1047His)

Gene: KANSL1 (KAT8 regulatory NSL complex subunit 1). Cytogenetic location: 17q21.31.
Variant type: single nucleotide variant.
Coding change: c.3141G>T on transcript NM_015443.4 (MANE Select); coding-DNA position 3141, G replaced by T.
Protein change: p.Gln1047His; replaces glutamine 1047 with histidine.
Molecular consequence: missense variant.
Genome position (GRCh38, 1-based): chr17:46,031,653, C>A on the plus strand (G>T on the coding strand, the complement: KANSL1 is on the minus strand). VCF-style: chr17-46031653-C-A. GRCh37 (hg19) VCF-style: chr17-44109019-C-A.
Other names: c.3138G>T, p.Gln1046His (NM_001193465.2, NM_001405856.1, NM_001405857.1 and 1 more transcripts); c.3141G>T, p.Gln1047His (NM_001193466.2, NM_001379198.1, NM_001405854.1 and 1 more transcripts); c.3039G>T, p.Gln1013His (NM_001405859.1, NM_001405860.1); c.3036G>T, p.Gln1012His (NM_001405861.1); c.3009G>T, p.Gln1003His (NM_001405872.1, NM_001405873.1, NM_001405874.1); c.2952G>T, p.Gln984His (NM_001405875.1, NM_001405876.1, NM_001405877.1 and 1 more transcripts); c.2949G>T, p.Gln983His (NM_001405879.1, NM_001405880.1); c.2904G>T, p.Gln968His (NM_001405881.1); and 4 more; short protein forms Q1012H, Q1047H, Q562H, Q984H, Q1013H, Q561H, Q983H, Q1003H.
Identifiers: ClinVar variation 2697700 (VCV002697700.3), dbSNP rs796052589, ClinGen allele CA399986082.
Genomic context (GRCh38, chr17:46,031,653, plus strand): 5'-GGTGCGTCGAGTGCAGCGGGCTGCTCGCTCCTGTGCATCCAGCTGGTCCTCACACTCCGC[C>A]TGGGGACTGTGCGCCAGGGGGAAGGTCCGCCGCTCCCAGGGCTGGACAGACTGTAGGCAG-3'
Protein context (NP_056258.1, residues 1037-1057): RRTFPLAHSP[Gln1047His]AECEDQLDAQ

ClinVar aggregate classification (germline): Uncertain significance (1 of 4 stars; one submission).

Conditions:
Koolen-de Vries syndrome (KDVS). Identifiers: Orphanet 96169, MedGen C1864871, MONDO:0012496, OMIM 610443.

Submission:

Labcorp Genetics (formerly Invitae), Labcorp
Classification: Uncertain significance for Koolen-de Vries syndrome. Last evaluated: 2024-03-04. Review status: criteria provided, single submitter. Criteria: Invitae Variant Classification Sherloc (09022015). Collection method: clinical testing. Allele origin: germline.
Comment: This sequence change replaces glutamine, which is neutral and polar, with histidine, which is basic and polar, at codon 1047 of the KANSL1 protein (p.Gln1047His). This variant is not present in population databases (gnomAD no frequency). This variant has not been reported in the literature in individuals affected with KANSL1-related conditions. Advanced modeling of protein sequence and biophysical properties (such as structural, functional, and spatial information, amino acid conservation, physicochemical variation, residue mobility, and thermodynamic stability) performed at Invitae indicates that this missense variant is not expected to disrupt KANSL1 protein function with a negative predictive value of 80%. In summary, the available evidence is currently insufficient to determine the role of this variant in disease. Therefore, it has been classified as a Variant of Uncertain Significance.